The following is an entry in ClinVar:

NM_022464.5(SIL1):c.1117del (p.Leu373fs)

Gene: SIL1 (SIL1 nucleotide exchange factor; minus strand). Cytogenetic location: 5q31.2.
Variant type: Deletion.
Coding change: c.1117del on transcript NM_022464.5 (MANE Select); coding-DNA position 1117, one base deleted (C; older notation c.1117delC).
Protein change: p.Leu373fs; shifts the reading frame from leucine 373.
Molecular consequence: frameshift variant.
Genome position (GRCh38, 1-based): chr5:138,947,386, G deleted on the plus strand (C on the coding strand, the reverse complement: SIL1 is on the minus strand); the first of 2 consecutive G bases (chr5:138,947,386-138,947,387); deleting either gives the same sequence. VCF-style (leftmost placement, unchanged base first): chr5-138947385-AG-A. GRCh37 (hg19) VCF-style: chr5-138283074-AG-A.
Other names: c.1117del, p.Leu373fs (NM_001037633.2); short protein forms L373fs.
Identifiers: ClinVar variation 1071735 (VCV001071735.9), dbSNP rs1561799392, ClinGen allele CA917592663.
Genomic context (GRCh38, chr5:138,947,385, plus strand): 5'-GCATCATGCTCGGGCAGCGCCAGGAGGTGGGCCGTGATCTCGCACCAGCCCTGTTCCCAC[AG>A]GCCTGGCAGGAGGTGTACCTGGCGATACTGCTGCAGCTTCTCTGGGGACATCTCCTGGGT-3'

ClinVar aggregate classification (germline): Pathogenic. Review status: criteria provided, multiple submitters, no conflicts (2 of 4 stars). 2 submissions from 2 submitters: Pathogenic (2). Last evaluated 2025-10-27.

Conditions:
Marinesco-Sjögren syndrome (MSS). Also called: Marinesco-SjÃ¶gren syndrome; Marinesco-Sjogren Syndrome. Identifiers: Orphanet 559, MedGen C0024814, MONDO:0009567, OMIM 248800.

Submissions (2):

Labcorp Genetics (formerly Invitae), Labcorp
Classification: Pathogenic for Marinesco-Sjögren syndrome. Last evaluated: 2025-10-27. Review status: criteria provided, single submitter. Criteria: Invitae Variant Classification Sherloc (09022015). Collection method: clinical testing. Allele origin: germline.
Comment: This sequence change creates a premature translational stop signal (p.Leu373Cysfs*33) in the SIL1 gene. While this is not anticipated to result in nonsense mediated decay, it is expected to disrupt the last 89 amino acid(s) of the SIL1 protein. This variant is not present in population databases (gnomAD no frequency). This premature translational stop signal has been observed in individual(s) with Marinesco-Sjogren syndrome (PMID: 23829326). This variant is also known as c.1116delC. ClinVar contains an entry for this variant (Variation ID: 1071735). This variant disrupts a region of the SIL1 protein in which other variant(s) (p.Gln414*) have been determined to be pathogenic (PMID: 19471582). This suggests that this is a clinically significant region of the protein, and that variants that disrupt it are likely to be disease-causing. For these reasons, this variant has been classified as Pathogenic.

ARUP Laboratories, Molecular Genetics and Genomics, ARUP Laboratories
Classification: Pathogenic for Marinesco-Sjögren syndrome. Review status: criteria provided, single submitter. Criteria: ARUP Molecular Germline Variant Investigation Process 2024. Collection method: clinical testing. Allele origin: germline.
Comment: The SIL1 c.1117del; p.Leu373CysfsTer33 variant is reported in the literature in multiple individuals affected with Marinesco-Sjogren syndrome (Ezgu 2014). This variant is found in the general population with an overall allele frequency of 0.000004 (1/250,422 alleles) in the Genome Aggregation Database (v2.1.1). This variant results in a premature termination codon in the last exon of the SIL1 gene. While this may not lead to nonsense-mediated decay, it is expected to create a truncated protein that would include a sequence of 33 amino acid residues not usually present. Based on available information, this variant is considered to be pathogenic. Ezgu F et al. Phenotype-genotype correlations in patients with Marinesco-SjÃ¶gren syndrome. Clin Genet. 2014 Jul;86(1):74-84. PMID: 23829326

Literature cited by the submitters: PubMed 23829326 (cited by Labcorp Genetics (formerly Invitae), Labcorp); PubMed 19471582 (cited by Labcorp Genetics (formerly Invitae), Labcorp).